The following is an entry in ClinVar:

ClinVar aggregate classification (germline): Uncertain significance. Review status: criteria provided, multiple submitters, no conflicts (2 of 4 stars). 2 submissions from 2 submitters: Uncertain significance (2). Last evaluated 2025-07-27.

Conditions:
Arrhythmogenic right ventricular dysplasia 9 (ARVD9). Also called: Arrhythmogenic Right Ventricular Dysplasia/Cardiomyopathy 9; ARRHYTHMOGENIC RIGHT VENTRICULAR DYSPLASIA, FAMILIAL, 9. Identifiers: MedGen C1836906, MONDO:0012180, OMIM 609040.
Arrhythmogenic right ventricular cardiomyopathy (ARVD). Also called: Arrhythmogenic right ventricular dysplasia; Cardiomyopathy, ARVC; Arrhythmogenic cardiomyopathy; Arrhythmogenic Right Ventricular Cardiomyopathy (ARVC). Identifiers: Orphanet 247, MedGen C0349788, MeSH D019571, MONDO:0016587. Disease mechanism: loss of function. Inheritance: Various modes of inheritance.

Allele frequency attached by ClinVar (database versions not stated): gnomAD exomes 0.00001.
gnomAD v4.1: 3 of 1,614,126 alleles (0.00019%); highest among the groups gnomAD compares: Non-Finnish European, 0.00025%; no homozygotes.

Submissions (2):

Labcorp Genetics (formerly Invitae), Labcorp
Classification: Uncertain significance for Arrhythmogenic right ventricular dysplasia 9. Last evaluated: 2025-07-27. Review status: criteria provided, single submitter. Criteria: Invitae Variant Classification Sherloc (09022015). Collection method: clinical testing. Allele origin: germline.
Comment: This sequence change replaces lysine, which is basic and polar, with asparagine, which is neutral and polar, at codon 643 of the PKP2 protein (p.Lys643Asn). This variant is not present in population databases (gnomAD no frequency). This variant has not been reported in the literature in individuals affected with PKP2-related conditions. ClinVar contains an entry for this variant (Variation ID: 3073564). An algorithm developed to predict the effect of missense changes on protein structure and function (PolyPhen-2) suggests that this variant is likely to be tolerated. In summary, the available evidence is currently insufficient to determine the role of this variant in disease. Therefore, it has been classified as a Variant of Uncertain Significance.

All of Us Research Program, National Institutes of Health
Classification: Uncertain significance for Arrhythmogenic right ventricular cardiomyopathy. Last evaluated: 2023-10-02. Review status: criteria provided, single submitter. Criteria: ACMG Guidelines, 2015. Collection method: clinical testing. Allele origin: germline. Inheritance: Autosomal dominant inheritance. Observed: 1 variant allele, 1 heterozygote.
Comment: This missense variant replaces lysine with asparagine at codon 643 of the PKP2 protein. Computational prediction suggests that this variant may not impact protein structure and function (internally defined REVEL score threshold <= 0.5, PMID: 27666373). To our knowledge, functional studies have not been reported for this variant. This variant has not been reported in individuals affected with PKP2-related disorders in the literature. This variant has not been identified in the general population by the Genome Aggregation Database (gnomAD). The available evidence is insufficient to determine the role of this variant in disease conclusively. Therefore, this variant is classified as a Variant of Uncertain Significance.

This study involves interpretation of variants in research participants for the purpose of population health screening. Participant phenotype was not available at the time of variant classification. Additional details can be found in publication PMID: 35346344, PMCID: PMC8962531

NM_001005242.3(PKP2):c.1797A>T (p.Lys599Asn)

Gene: PKP2 (plakophilin 2; minus strand). Cytogenetic location: 12p11.21.
Variant type: single nucleotide variant.
Coding change: c.1797A>T on transcript NM_001005242.3 (MANE Select); coding-DNA position 1797, A replaced by T.
Protein change: p.Lys599Asn; replaces lysine 599 with asparagine.
Molecular consequence: missense variant. On other transcripts: intron variant (1).
Genome position (GRCh38, 1-based): chr12:32,822,509, T>A on the plus strand (A>T on the coding strand, the complement: PKP2 is on the minus strand). VCF-style: chr12-32822509-T-A. GRCh37 (hg19) VCF-style: chr12-32975443-T-A.
Other names: c.1797A>T, p.Lys599Asn (NM_001407155.1, NM_001407161.1); c.1929A>T, p.Lys643Asn (NM_001407157.1, NM_004572.4); c.1470A>T, p.Lys490Asn (NM_001407158.1, NM_001407159.1, NM_001407160.1 and 1 more transcripts); c.1675-980A>T (NM_001407156.1); short protein forms K490N, K599N, K643N.
Identifiers: ClinVar variation 3073564 (VCV003073564.2), dbSNP rs2541231563, ClinGen allele CA384362797.